The following is an entry in ClinVar:

ClinVar aggregate classification (germline): Likely benign. Review status: reviewed by expert panel (3 of 4 stars). 10 submissions from 10 submitters: Likely benign (1). 9 of the submissions do not count toward it. Last evaluated 2017-06-29.

Conditions:
Hereditary cancer-predisposing syndrome. Also called: Hereditary Cancer Syndrome; Neoplastic Syndromes, Hereditary; Tumor predisposition; Hereditary neoplastic syndrome. Identifiers: Orphanet 140162, MedGen C0027672, MeSH D009386, MONDO:0015356.
Familial prostate cancer. Also called: Hereditary Prostate Cancer. Identifiers: MedGen C2931456, MONDO:0700275, OMIM 176807.
Hereditary breast ovarian cancer syndrome. Also called: Hereditary breast and ovarian cancer; Hereditary breast and ovarian cancer syndrome (HBOC); Hereditary breast and/or ovarian cancer syndrome; Hereditary breast and ovarian cancer syndrome; Breast and ovarian cancer; BRCA1- and BRCA2-Associated Hereditary Breast and Ovarian Cancer. Identifiers: Orphanet 145, MedGen C0677776, MeSH D061325, MONDO:0003582. Disease mechanism: loss of function.
Breast-ovarian cancer, familial, susceptibility to, 2 (BROVCA2). Also called: BRCA2 Hereditary Breast and Ovarian Cancer. Identifiers: Orphanet 145, MedGen C2675520, MONDO:0012933, OMIM 612555. Disease mechanism: loss of function.

Allele frequency attached by ClinVar (database versions not stated): ExAC 0.00001; gnomAD 0.00001 and 0.00002; gnomAD exomes 0.00001; TOPMed 0.00002.
gnomAD v4.1: 22 of 1,609,934 alleles (0.0014%); highest among the groups gnomAD compares: Non-Finnish European, 0.0018%; no homozygotes.

Submissions (10):

Evidence-based Network for the Interpretation of Germline Mutant Alleles (ENIGMA)
Classification: Likely benign for Breast-ovarian cancer, familial, susceptibility to, 2. Last evaluated: 2017-06-29. Review status: reviewed by expert panel. Criteria: ENIGMA BRCA1/2 Classification Criteria (2017-06-29). Collection method: curation. Allele origin: germline.
Comment: Synonymous substitution variant, with low bioinformatic likelihood to result in a splicing aberration (Splicing prior probability 0.02).

Labcorp Genetics (formerly Invitae), Labcorp
Classification: Likely benign for Hereditary breast ovarian cancer syndrome. Last evaluated: 2025-12-27. Review status: criteria provided, single submitter. Criteria: Invitae Variant Classification Sherloc (09022015). Collection method: clinical testing. Allele origin: germline. Not counted in ClinVar's aggregate classification.

All of Us Research Program, National Institutes of Health
Classification: Likely benign for Breast-ovarian cancer, familial, susceptibility to, 2. Last evaluated: 2023-10-30. Review status: criteria provided, single submitter. Criteria: ACMG Guidelines, 2015. Collection method: clinical testing. Allele origin: germline. Inheritance: Autosomal dominant inheritance. Observed: 3 variant alleles, 3 heterozygotes. Not counted in ClinVar's aggregate classification.
Comment: This study involves interpretation of variants in research participants for the purpose of population health screening. Participant phenotype was not available at the time of variant classification. Additional details can be found in publication PMID: 35346344, PMCID: PMC8962531

Women's Health and Genetics/Laboratory Corporation of America, LabCorp
Classification: Likely benign. Last evaluated: 2023-05-04. Review status: criteria provided, single submitter. Criteria: LabCorp Variant Classification Summary - May 2015. Collection method: clinical testing. Allele origin: germline. Not counted in ClinVar's aggregate classification.

Department of Pathology and Laboratory Medicine, Sinai Health System
Classification: Likely benign for Familial prostate cancer. Last evaluated: 2022-08-25. Review status: criteria provided, single submitter. Criteria: ACMG Guidelines, 2015. Collection method: clinical testing. Allele origin: germline. Affected: yes. Not counted in ClinVar's aggregate classification.

Quest Diagnostics Nichols Institute San Juan Capistrano
Classification: Likely benign. Last evaluated: 2018-11-30. Review status: criteria provided, single submitter. Criteria: Quest Diagnostics criteria. Collection method: clinical testing. Allele origin: germline. Not counted in ClinVar's aggregate classification.

Color Diagnostics, LLC DBA Color Health
Classification: Likely benign for Hereditary cancer-predisposing syndrome. Last evaluated: 2016-06-20. Review status: criteria provided, single submitter. Criteria: ACMG Guidelines, 2015. Collection method: clinical testing. Allele origin: germline. Not counted in ClinVar's aggregate classification.

Ambry Genetics
Classification: Likely benign for Hereditary cancer-predisposing syndrome. Last evaluated: 2016-03-07. Review status: criteria provided, single submitter. Criteria: Ambry Variant Classification Scheme 2023. Collection method: clinical testing. Allele origin: germline. Not counted in ClinVar's aggregate classification.

GeneDx
Classification: Benign. Last evaluated: 2014-06-16. Review status: criteria provided, single submitter. Criteria: GeneDx Variant Classification (06012015). Collection method: clinical testing. Allele origin: germline. Affected: yes. Not counted in ClinVar's aggregate classification.
Comment: This variant is considered likely benign or benign based on one or more of the following criteria: it is a conservative change, it occurs at a poorly conserved position in the protein, it is predicted to be benign by multiple in silico algorithms, and/or has population frequency not consistent with disease.

BRCAlab, Lund University
Classification: Likely benign for Breast-ovarian cancer, familial, susceptibility to, 2. Last evaluated: 2020-03-02. Review status: no assertion criteria provided. Collection method: clinical testing. Allele origin: germline. Affected: yes. Not counted in ClinVar's aggregate classification.

NM_000059.4(BRCA2):c.1584C>T (p.Asn528=)

Gene: BRCA2 (BRCA2 DNA repair associated; plus strand). Cytogenetic location: 13q13.1.
Variant type: single nucleotide variant.
Coding change: c.1584C>T on transcript NM_000059.4 (MANE Select); coding-DNA position 1584, C replaced by T.
Protein change: p.Asn528=; no amino-acid change (asparagine 528 retained).
Molecular consequence: synonymous variant.
Genome position (GRCh38, 1-based): chr13:32,333,062, C>T. VCF-style: chr13-32333062-C-T. GRCh37 (hg19) VCF-style: chr13-32907199-C-T.
Other names: p.N528N:AAC>AAT.
Identifiers: ClinVar variation 182281 (VCV000182281.24), dbSNP rs730881587, ClinGen allele CA012502.